The following is an entry in ClinVar:

NM_007294.4(BRCA1):c.3683A>G (p.His1228Arg)

Genes: BRCA1 (BRCA1 DNA repair associated; minus strand), LOC126862571 (BRD4-independent group 4 enhancer GRCh37_chr17:41243136-41244335; plus strand). Cytogenetic location: 17q21.31.
Variant type: single nucleotide variant.
Coding change: c.3683A>G on transcript NM_007294.4 (MANE Select); coding-DNA position 3683, A replaced by G.
Protein change: p.His1228Arg; replaces histidine 1228 with arginine.
Molecular consequence: missense variant. On other transcripts: intron variant (135).
Genome position (GRCh38, 1-based): chr17:43,091,848, T>C on the plus strand (A>G on the coding strand, the complement: BRCA1 is on the minus strand). VCF-style: chr17-43091848-T-C. GRCh37 (hg19) VCF-style: chr17-41243865-T-C.
Other names: c.3302A>G, p.His1101Arg (NM_001407960.1, NM_001407963.1, NM_001407959.1); c.3299A>G, p.His1100Arg (NM_001407962.1); c.3539A>G, p.His1180Arg (NM_001407964.1, NM_001407740.1, NM_001407741.1 and 20 more transcripts); c.3179A>G, p.His1060Arg (NM_001407965.1); c.2795A>G, p.His932Arg (NM_001407966.1, NM_001407967.1); c.1079A>G, p.His360Arg (NM_001407968.1, NM_001407969.1); c.3542A>G, p.His1181Arg (NM_007297.4, NM_001407692.1, NM_001407694.1 and 29 more transcripts); c.3683A>G, p.His1228Arg (NM_007300.4, NM_001407581.1, NM_001407582.1 and 30 more transcripts); and 41 more; short protein forms H1202R, H1228R, H360R, H932R, H1139R, H1060R, H1160R, H1157R.
Identifiers: ClinVar variation 1733899 (VCV001733899.7), dbSNP rs2154294903, ClinGen allele CA10594599.

ClinVar aggregate classification (germline): Conflicting classifications of pathogenicity. Review status: criteria provided, conflicting classifications (1 of 4 stars). 3 submissions from 3 submitters: Uncertain significance (2); Likely benign (1). Last evaluated 2025-03-24.

Conditions:
Hereditary breast ovarian cancer syndrome. Also called: Hereditary breast and ovarian cancer syndrome; Breast and ovarian cancer; Hereditary breast and/or ovarian cancer syndrome; Hereditary breast and ovarian cancer; BRCA1- and BRCA2-Associated Hereditary Breast and Ovarian Cancer; Hereditary breast and ovarian cancer syndrome (HBOC). Identifiers: Orphanet 145, MedGen C0677776, MeSH D061325, MONDO:0003582. Disease mechanism: loss of function.
Hereditary cancer-predisposing syndrome. Also called: Neoplastic Syndromes, Hereditary; Tumor predisposition; Hereditary Cancer Syndrome; Hereditary neoplastic syndrome. Identifiers: Orphanet 140162, MedGen C0027672, MeSH D009386, MONDO:0015356.

Submissions (3):

Labcorp Genetics (formerly Invitae), Labcorp
Classification: Uncertain significance for Hereditary breast ovarian cancer syndrome. Last evaluated: 2025-03-24. Review status: criteria provided, single submitter. Criteria: Invitae Variant Classification Sherloc (09022015). Collection method: clinical testing. Allele origin: germline.
Comment: This sequence change replaces histidine, which is basic and polar, with arginine, which is basic and polar, at codon 1228 of the BRCA1 protein (p.His1228Arg). This variant is not present in population databases (gnomAD no frequency). This variant has not been reported in the literature in individuals affected with BRCA1-related conditions. ClinVar contains an entry for this variant (Variation ID: 1733899). Invitae Evidence Modeling of protein sequence and biophysical properties (such as structural, functional, and spatial information, amino acid conservation, physicochemical variation, residue mobility, and thermodynamic stability) indicates that this missense variant is expected to disrupt BRCA1 protein function with a positive predictive value of 80%. In summary, the available evidence is currently insufficient to determine the role of this variant in disease. Therefore, it has been classified as a Variant of Uncertain Significance.

University of Washington Department of Laboratory Medicine, University of Washington
Classification: Likely benign for Hereditary cancer-predisposing syndrome. Last evaluated: 2023-03-23. Review status: criteria provided, single submitter. Criteria: Dines et al. (Genet Med. 2020). Collection method: curation. Allele origin: germline.
Comment: Missense variant in a coldspot region where missense variants are very unlikely to be pathogenic (PMID:31911673).

BRCA1 coldspot (exon 11 using historical exon numbering). Reclassification based on statistical prior probability

Ambry Genetics
Classification: Uncertain significance for Hereditary cancer-predisposing syndrome. Last evaluated: 2021-01-04. Review status: criteria provided, single submitter. Criteria: Ambry Variant Classification Scheme 2023. Collection method: clinical testing. Allele origin: germline.
Comment: The p.H1228R variant (also known as c.3683A>G), located in coding exon 9 of the BRCA1 gene, results from an A to G substitution at nucleotide position 3683. The histidine at codon 1228 is replaced by arginine, an amino acid with highly similar properties. This amino acid position is not well conserved in available vertebrate species. In addition, the in silico prediction for this alteration is inconclusive. Since supporting evidence is limited at this time, the clinical significance of this alteration remains unclear.